The following is an entry in ClinVar:

NM_021813.4(BACH2):c.2230A>G (p.Ile744Val)

Gene: BACH2 (BACH transcriptional regulator 2; minus strand). Cytogenetic location: 6q15.
Variant type: single nucleotide variant.
Coding change: c.2230A>G on transcript NM_021813.4 (MANE Select); coding-DNA position 2230, A replaced by G.
Protein change: p.Ile744Val; replaces isoleucine 744 with valine.
Molecular consequence: missense variant.
Genome position (GRCh38, 1-based): chr6:89,932,704, T>C on the plus strand (A>G on the coding strand, the complement: BACH2 is on the minus strand). VCF-style: chr6-89932704-T-C. GRCh37 (hg19) VCF-style: chr6-90642423-T-C.
Other names: c.2230A>G, p.Ile744Val (NM_001170794.2); c.2230A>G (NM_021813.3); short protein forms I744V.
Identifiers: ClinVar variation 636771 (VCV000636771.9), dbSNP rs1321699864, ClinGen allele CA365027369.
Genomic context (GRCh38, chr6:89,932,704, plus strand): 5'-CCCCCACTGCGCATTGGGAGGCCGCAATGTTCTGCTCAGCACCCAAGGGCGCAGGGTTAA[T>C]ACTGGAGGCCGTGGGCAAGTCCATGGGTCTGAGGACAGGGCAATACCGATGCAGGGCCTG-3'
Protein context (NP_068585.1, residues 734-754): RPMDLPTASS[Ile744Val]NPAPLGAEQN

ClinVar aggregate classification (germline): Conflicting classifications of pathogenicity. Review status: criteria provided, conflicting classifications (1 of 4 stars). 4 submissions from 4 submitters: Uncertain significance (3); Likely benign (1). Last evaluated 2025-09-30.

Conditions:
BACH2-related disorder. Also called: BACH2-related condition.

Allele frequency attached by ClinVar (database versions not stated): gnomAD exomes below 0.00001 and 0.00001; gnomAD 0.00001; TOPMed 0.00001.
gnomAD v4.1: 21 of 1,614,004 alleles (0.0013%); highest among the groups gnomAD compares: Middle Eastern, 0.033%; no homozygotes.

Submissions (4):

Labcorp Genetics (formerly Invitae), Labcorp
Classification: Uncertain significance. Last evaluated: 2025-09-30. Review status: criteria provided, single submitter. Criteria: Invitae Variant Classification Sherloc (09022015). Collection method: clinical testing. Allele origin: germline.
Comment: This sequence change replaces isoleucine, which is neutral and non-polar, with valine, which is neutral and non-polar, at codon 744 of the BACH2 protein (p.Ile744Val). This variant is not present in population databases (gnomAD no frequency). This variant has not been reported in the literature in individuals affected with BACH2-related conditions. ClinVar contains an entry for this variant (Variation ID: 636771). Invitae Evidence Modeling of protein sequence and biophysical properties (such as structural, functional, and spatial information, amino acid conservation, physicochemical variation, residue mobility, and thermodynamic stability) indicates that this missense variant is not expected to disrupt BACH2 protein function with a negative predictive value of 80%. In summary, the available evidence is currently insufficient to determine the role of this variant in disease. Therefore, it has been classified as a Variant of Uncertain Significance.

Blueprint Genetics
Classification: Likely benign. Last evaluated: 2024-08-06. Review status: criteria provided, single submitter. Criteria: ACMG Guidelines, 2015. Collection method: clinical testing. Allele origin: germline.

PreventionGenetics, part of Exact Sciences
Classification: Uncertain significance for BACH2-related condition. Last evaluated: 2023-06-16. Review status: criteria provided, single submitter. Criteria: ACMG Guidelines, 2015. Collection method: clinical testing. Allele origin: germline.
Comment: The BACH2 c.2230A>G variant is predicted to result in the amino acid substitution p.Ile744Val. To our knowledge, this variant has not been reported in the literature. This variant is reported in 0.0% of alleles in individuals of African descent in gnomAD. At this time, the clinical significance of this variant is uncertain due to the absence of conclusive functional and genetic evidence.

Ambry Genetics
Classification: Uncertain significance. Last evaluated: 2021-09-27. Review status: criteria provided, single submitter. Criteria: Ambry Variant Classification Scheme 2023. Collection method: clinical testing. Allele origin: germline.